The following is an entry in ClinVar:

NM_001846.4(COL4A2):c.577G>A (p.Gly193Ser)

Gene: COL4A2 (collagen type IV alpha 2 chain; plus strand). Cytogenetic location: 13q34.
Variant type: single nucleotide variant.
Coding change: c.577G>A on transcript NM_001846.4 (MANE Select); coding-DNA position 577, G replaced by A.
Protein change: p.Gly193Ser; replaces glycine 193 with serine.
Molecular consequence: missense variant.
Genome position (GRCh38, 1-based): chr13:110,430,428, G>A. VCF-style: chr13-110430428-G-A. GRCh37 (hg19) VCF-style: chr13-111082775-G-A.
Other names: short protein forms G193S.
Identifiers: ClinVar variation 2967862 (VCV002967862.3), dbSNP rs775479003, ClinGen allele CA7048964.

ClinVar aggregate classification (germline): Uncertain significance (1 of 4 stars; one submission).

Allele frequency attached by ClinVar (database versions not stated): ExAC 0.00018; gnomAD 0.00002; TOPMed 0.00003; gnomAD exomes 0.00003.
gnomAD v4.1: 53 of 1,613,944 alleles (0.0033%); highest among the groups gnomAD compares: African/African-American, 0.0053%; no homozygotes.

Submission:

Labcorp Genetics (formerly Invitae), Labcorp
Classification: Uncertain significance. Last evaluated: 2026-01-19. Review status: criteria provided, single submitter. Criteria: Invitae Variant Classification Sherloc (09022015). Collection method: clinical testing. Allele origin: germline.
Comment: This sequence change replaces glycine, which is neutral and non-polar, with serine, which is neutral and polar, at codon 193 of the COL4A2 protein (p.Gly193Ser). This variant is present in population databases (rs775479003, gnomAD 0.02%). This variant has not been reported in the literature in individuals affected with COL4A2-related conditions. ClinVar contains an entry for this variant (Variation ID: 2967862). Invitae Evidence Modeling of protein sequence and biophysical properties (such as structural, functional, and spatial information, amino acid conservation, physicochemical variation, residue mobility, and thermodynamic stability) has been performed for this missense variant. However, the output from this modeling did not meet the statistical confidence thresholds required to predict the impact of this variant on COL4A2 protein function. In summary, the available evidence is currently insufficient to determine the role of this variant in disease. Therefore, it has been classified as a Variant of Uncertain Significance.